The following is an entry in ClinVar:

ClinVar aggregate classification (germline): Pathogenic (1 of 4 stars; one submission).

Conditions:
Autosomal recessive spastic paraplegia type 76. Identifiers: Orphanet 488594, MedGen C5567483, MONDO:0014827, OMIM 616907.

Submission:

Diagnostics Services (NGS), CSIR - Centre For Cellular And Molecular Biology
Classification: Pathogenic for Autosomal recessive spastic paraplegia type 76. Last evaluated: 2022-09-28. Review status: criteria provided, single submitter. Criteria: ACMG Guidelines, 2015. Collection method: clinical testing. Allele origin: unknown. Affected: yes. Observed: 1 variant allele, 1 homozygote.
Comment: The c.181_182insC is not present in publicly available population databases like 1000 Genomes, EVS, Indian Exome Database or our in-house exome database. The heterozygous state of the variant is present in ExAC and gnomAD, at a low frequency. The variant has neither been published in literature nor reported to clinical databases like ClinVar, Human Genome Mutation Database (HGMD) and/or OMIM, in any affected individuals. In silico pathogenicity programs like Mutation Taster, CADD, Varsome etc. predicted this variant to be likely deleterious. The variant causes frameshift at the 61st amino acid position of the original transcript, creating a premature stop signal at the 166th amino acid position of the altered transcript, which may either result in translation of a truncated protein or cause nonsense mediated decay of the mRNA.

NM_005186.4(CAPN1):c.181_182insC (p.Phe61fs)

Gene: CAPN1 (calpain 1; plus strand). Cytogenetic location: 11q13.1.
Variant type: Insertion.
Coding change: c.181_182insC on transcript NM_005186.4 (MANE Select); coding-DNA positions 181 to 182, C inserted.
Protein change: p.Phe61fs; shifts the reading frame from phenylalanine 61.
Molecular consequence: frameshift variant. On other transcripts: non-coding transcript variant (1).
Genome position: GRCh38 VCF-style: chr11-65182882-T-TC. GRCh37 (hg19) VCF-style: chr11-64950353-T-TC.
Other names: c.181_182insC, p.Phe61fs (NM_001198868.2, NM_001198869.2); c.90_91insC, p.Ser31Leufs (NM_001198870.1); short protein forms F61fs.
Identifiers: ClinVar variation 1802257 (VCV001802257.3), dbSNP rs2539251246, ClinGen allele CA2580084426.